The following is an entry in ClinVar:

NM_001277313.2(FMN1):c.2044-2662C>T

Gene: FMN1 (formin 1; minus strand). Cytogenetic location: 15q13.3.
Variant type: single nucleotide variant.
Coding change: c.2044-2662C>T on transcript NM_001277313.2 (MANE Select); 2662 bases into the intron before coding-DNA position 2044, C replaced by T.
Molecular consequence: intron variant. On other transcripts: missense variant (1).
Genome position (GRCh38, 1-based): chr15:33,067,736, G>A on the plus strand (C>T on the coding strand, the complement: FMN1 is on the minus strand). VCF-style: chr15-33067736-G-A. GRCh37 (hg19) VCF-style: chr15-33359937-G-A.
Other names: c.149C>T, p.Pro50Leu (NM_001103184.4); short protein forms P50L.
Identifiers: ClinVar variation 1484334 (VCV001484334.6), dbSNP rs1220815284, ClinGen allele CA391574810.

ClinVar aggregate classification (germline): Uncertain significance (1 of 4 stars; one submission).

Allele frequency attached by ClinVar (database versions not stated): gnomAD exomes below 0.00001; TOPMed below 0.00001; gnomAD 0.00001.
gnomAD v4.1: 2 of 1,613,800 alleles (0.00012%); highest among the groups gnomAD compares: East Asian, 0.0022%; no homozygotes.

Submission:

Labcorp Genetics (formerly Invitae), Labcorp
Classification: Uncertain significance. Last evaluated: 2022-07-19. Review status: criteria provided, single submitter. Criteria: Invitae Variant Classification Sherloc (09022015). Collection method: clinical testing. Allele origin: germline.
Comment: In summary, the available evidence is currently insufficient to determine the role of this variant in disease. Therefore, it has been classified as a Variant of Uncertain Significance. Algorithms developed to predict the effect of missense changes on protein structure and function are either unavailable or do not agree on the potential impact of this missense change (SIFT: "Tolerated"; PolyPhen-2: "Not Available"; Align-GVGD: "Class C0"). ClinVar contains an entry for this variant (Variation ID: 1484334). This variant has not been reported in the literature in individuals affected with FMN1-related conditions. This variant is not present in population databases (gnomAD no frequency). This sequence change replaces proline, which is neutral and non-polar, with leucine, which is neutral and non-polar, at codon 50 of the FMN1 protein (p.Pro50Leu).